The following is an entry in ClinVar:

ClinVar aggregate classification (germline): Uncertain significance. Review status: criteria provided, multiple submitters, no conflicts (2 of 4 stars). 7 submissions from 7 submitters: Uncertain significance (6). 1 of the submissions does not count toward it. Last evaluated 2026-06-19.

Conditions:
Aicardi-Goutieres syndrome 6 (AGS6). Identifiers: Orphanet 51, MedGen C3539013, MONDO:0014007, OMIM 615010.
ADAR-related disorder. Also called: ADAR-related disorders; ADAR-related condition.
Symmetrical dyschromatosis of extremities (DSH). Also called: DYSCHROMATOSIS SYMMETRICA HEREDITARIA 1; Dyschromatosis symmetrica hereditaria; RETICULATE ACROPIGMENTATION OF DOHI; SYMMETRIC DYSCHROMATOSIS OF THE EXTREMITIES. Identifiers: Orphanet 41, MedGen C0406775, MONDO:0007483, OMIM 127400.

Allele frequency attached by ClinVar (database versions not stated): gnomAD 0.00006 and 0.00007; TOPMed 0.00009; gnomAD exomes 0.00012; ESP Exome Variant Server 0.00015; 1000 Genomes Project 30x 0.00016; ExAC 0.00017; 1000 Genomes Project 0.00020.
gnomAD v4.1: 103 of 1,614,116 alleles (0.0064%); highest among the groups gnomAD compares: Middle Eastern, 0.033%; no homozygotes.

Submissions (7):

Women's Health and Genetics/Laboratory Corporation of America, LabCorp
Classification: Uncertain significance. Last evaluated: 2026-06-19. Review status: criteria provided, single submitter. Criteria: LabCorp Variant Classification Summary - May 2015. Collection method: clinical testing. Allele origin: germline.
Comment: Variant summary: ADAR c.2275G>A (p.Val759Ile) results in a conservative amino acid change in the encoded protein sequence. Algorithms developed to predict the effect of missense changes on protein structure and function are either unavailable or do not agree on the potential impact of this missense change. The variant allele was found at a frequency of 0.00012 in 251050 control chromosomes. This frequency is not significantly higher than estimated for disease-causing variants in ADAR, allowing no conclusion about variant significance. To our knowledge, no occurrence of c.2275G>A in individuals affected with ADAR-related conditions and no experimental evidence demonstrating its impact on protein function have been reported. ClinVar contains an entry for this variant (Variation ID: 653292). Based on the evidence outlined above, the variant was classified as uncertain significance.

Labcorp Genetics (formerly Invitae), Labcorp
Classification: Uncertain significance for Aicardi-Goutieres syndrome 6; Symmetrical dyschromatosis of extremities. Last evaluated: 2024-12-16. Review status: criteria provided, single submitter. Criteria: Invitae Variant Classification Sherloc (09022015). Collection method: clinical testing. Allele origin: germline.
Comment: This sequence change replaces valine, which is neutral and non-polar, with isoleucine, which is neutral and non-polar, at codon 759 of the ADAR protein (p.Val759Ile). This variant is present in population databases (rs145849344, gnomAD 0.02%). This variant has not been reported in the literature in individuals affected with ADAR-related conditions. ClinVar contains an entry for this variant (Variation ID: 653292). Invitae Evidence Modeling of protein sequence and biophysical properties (such as structural, functional, and spatial information, amino acid conservation, physicochemical variation, residue mobility, and thermodynamic stability) indicates that this missense variant is not expected to disrupt ADAR protein function with a negative predictive value of 80%. In summary, the available evidence is currently insufficient to determine the role of this variant in disease. Therefore, it has been classified as a Variant of Uncertain Significance.

Blueprint Genetics
Classification: Uncertain significance. Last evaluated: 2023-11-07. Review status: criteria provided, single submitter. Criteria: ACMG Guidelines, 2015. Collection method: clinical testing. Allele origin: germline.

Genome-Nilou Lab
Classification: Uncertain significance for Aicardi-Goutieres syndrome 6. Last evaluated: 2023-04-11. Review status: criteria provided, single submitter. Criteria: ACMG Guidelines, 2015. Collection method: clinical testing. Allele origin: germline. Affected: no.

GeneDx
Classification: Uncertain significance. Last evaluated: 2023-01-04. Review status: criteria provided, single submitter. Criteria: GeneDx Variant Classification Process June 2021. Collection method: clinical testing. Allele origin: germline. Affected: yes.
Comment: In silico analysis supports that this missense variant does not alter protein structure/function; Has not been previously published as pathogenic or benign to our knowledge

Revvity Omics, Revvity
Classification: Uncertain significance. Last evaluated: 2020-11-18. Review status: criteria provided, single submitter. Criteria: ACMG Guidelines, 2015. Collection method: clinical testing. Allele origin: germline.

PreventionGenetics, part of Exact Sciences
Classification: Uncertain significance for ADAR-related condition. Last evaluated: 2023-12-04. Review status: no assertion criteria provided. Collection method: clinical testing. Allele origin: germline. Not counted in ClinVar's aggregate classification.
Comment: The ADAR c.2275G>A variant is predicted to result in the amino acid substitution p.Val759Ile. To our knowledge, this variant has not been reported in the literature. This variant is reported in 0.019% of alleles in individuals of European (Non-Finnish) descent in gnomAD. At this time, the clinical significance of this variant is uncertain due to the absence of conclusive functional and genetic evidence.

NM_001111.5(ADAR):c.2275G>A (p.Val759Ile)

Gene: ADAR (adenosine deaminase RNA specific; minus strand). Cytogenetic location: 1q21.3.
Variant type: single nucleotide variant.
Coding change: c.2275G>A on transcript NM_001111.5 (MANE Select); coding-DNA position 2275, G replaced by A.
Protein change: p.Val759Ile; replaces valine 759 with isoleucine.
Molecular consequence: missense variant.
Genome position (GRCh38, 1-based): chr1:154,590,405, C>T on the plus strand (G>A on the coding strand, the complement: ADAR is on the minus strand). VCF-style: chr1-154590405-C-T. GRCh37 (hg19) VCF-style: chr1-154562881-C-T.
Other names: c.2275G>A, p.Val759Ile (LRG_1212t1, NM_015840.4); c.1390G>A, p.Val464Ile (NM_001025107.3, NM_001193495.2, NM_001365046.1 and 3 more transcripts); c.2302G>A, p.Val768Ile (NM_001365045.1); c.2218G>A, p.Val740Ile (NM_015841.4); short protein forms V464I, V740I, V759I, V768I.
Identifiers: ClinVar variation 653292 (VCV000653292.19), dbSNP rs145849344, ClinGen allele CA1131321.